The following is an entry in ClinVar:

NM_005859.5(PURA):c.626A>T (p.Tyr209Phe)

Gene: PURA (purine rich element binding protein A; plus strand). Cytogenetic location: 5q31.3.
Variant type: single nucleotide variant.
Coding change: c.626A>T on transcript NM_005859.5 (MANE Select); coding-DNA position 626, A replaced by T.
Protein change: p.Tyr209Phe; replaces tyrosine 209 with phenylalanine.
Molecular consequence: missense variant.
Genome position (GRCh38, 1-based): chr5:140,114,807, A>T. VCF-style: chr5-140114807-A-T. GRCh37 (hg19) VCF-style: chr5-139494392-A-T.
Other names: short protein forms Y209F.
Identifiers: ClinVar variation 2060973 (VCV002060973.4), dbSNP rs1763052181, ClinGen allele CA361491180.

ClinVar aggregate classification (germline): Uncertain significance (1 of 4 stars; one submission).

Conditions:
PURA-related severe neonatal hypotonia-seizures-encephalopathy syndrome (NEDRIHF). Also called: NEURODEVELOPMENTAL DISORDER WITH NEONATAL RESPIRATORY INSUFFICIENCY, HYPOTONIA, AND FEEDING DIFFICULTIES; PURA-Related Neurodevelopmental Disorders. Identifiers: Orphanet 438213, Orphanet 438216, MedGen C4015357, MONDO:1060108, OMIM 616158, MONDO:0018580.

Allele frequency attached by ClinVar (database versions not stated): TOPMed below 0.00001.

Submission:

Labcorp Genetics (formerly Invitae), Labcorp
Classification: Uncertain significance for PURA-related severe neonatal hypotonia-seizures-encephalopathy syndrome. Last evaluated: 2022-04-17. Review status: criteria provided, single submitter. Criteria: Invitae Variant Classification Sherloc (09022015). Collection method: clinical testing. Allele origin: germline.
Comment: Algorithms developed to predict the effect of missense changes on protein structure and function (SIFT, PolyPhen-2, Align-GVGD) all suggest that this variant is likely to be tolerated. In summary, the available evidence is currently insufficient to determine the role of this variant in disease. Therefore, it has been classified as a Variant of Uncertain Significance. This variant has not been reported in the literature in individuals affected with PURA-related conditions. This variant is not present in population databases (gnomAD no frequency). This sequence change replaces tyrosine, which is neutral and polar, with phenylalanine, which is neutral and non-polar, at codon 209 of the PURA protein (p.Tyr209Phe).